The following is an entry in ClinVar:

NM_017617.5(NOTCH1):c.6907A>C (p.Ser2303Arg)

Gene: NOTCH1 (notch receptor 1; minus strand). Cytogenetic location: 9q34.3.
Variant type: single nucleotide variant.
Coding change: c.6907A>C on transcript NM_017617.5 (MANE Select); coding-DNA position 6907, A replaced by C.
Protein change: p.Ser2303Arg; replaces serine 2303 with arginine.
Molecular consequence: missense variant.
Genome position (GRCh38, 1-based): chr9:136,496,832, T>G on the plus strand (A>C on the coding strand, the complement: NOTCH1 is on the minus strand). VCF-style: chr9-136496832-T-G. GRCh37 (hg19) VCF-style: chr9-139391284-T-G.
Other names: short protein forms S2303R.
Identifiers: ClinVar variation 5001943 (VCV005001943.1).

ClinVar aggregate classification (germline): Uncertain significance (1 of 4 stars; one submission).

Conditions:
NOTCH1-related disorder. Also called: NOTCH1-related disorders; NOTCH1-related condition.

gnomAD v4.1: 1 of 1,612,928 alleles (0.000062%); highest among the groups gnomAD compares: Non-Finnish European, 0.000085%; no homozygotes.

Submission:

PreventionGenetics, part of Exact Sciences
Classification: Uncertain significance for NOTCH1-related condition. Last evaluated: 2025-04-13. Review status: criteria provided, single submitter. Criteria: ACMG Guidelines, 2015. Collection method: clinical testing. Allele origin: germline.
Comment: The NOTCH1 c.6907A>C variant is predicted to result in the amino acid substitution p.Ser2303Arg. To our knowledge, this variant has not been reported in the literature or in a large population database (gnomAD), indicating this variant is rare. At this time, the clinical significance of this variant is uncertain due to the absence of conclusive functional and genetic evidence.